The following is an entry in ClinVar:

ClinVar aggregate classification (germline): Conflicting classifications of pathogenicity. Review status: criteria provided, conflicting classifications (1 of 4 stars). 6 submissions from 6 submitters: Uncertain significance (1); Benign (1); Likely benign (4). Last evaluated 2025-08-07.

Conditions:
Hereditary cancer-predisposing syndrome. Also called: Neoplastic Syndromes, Hereditary; Tumor predisposition; Hereditary Cancer Syndrome; Hereditary neoplastic syndrome. Identifiers: Orphanet 140162, MedGen C0027672, MeSH D009386, MONDO:0015356.
Hereditary nonpolyposis colorectal neoplasms. Identifiers: MedGen C0009405, MeSH D003123.
Lynch syndrome 5 (LYNCH5). Also called: Colorectal cancer, hereditary nonpolyposis, type 5; Hereditary non-polyposis colorectal cancer, type 5. Identifiers: Orphanet 144, MedGen C1833477, MONDO:0013710, OMIM 614350. Disease mechanism: loss of function.

Allele frequency attached by ClinVar (database versions not stated): TOPMed 0.00001.
gnomAD v4.1: 7 of 1,613,910 alleles (0.00043%); highest among the groups gnomAD compares: African/African-American, 0.0067%; no homozygotes.

Submissions (6):

Labcorp Genetics (formerly Invitae), Labcorp
Classification: Likely benign for Hereditary nonpolyposis colorectal neoplasms. Last evaluated: 2025-08-07. Review status: criteria provided, single submitter. Criteria: Invitae Variant Classification Sherloc (09022015). Collection method: clinical testing. Allele origin: germline.

Myriad Genetics, Inc.
Classification: Benign for Lynch syndrome 5. Last evaluated: 2025-01-08. Review status: criteria provided, single submitter. Criteria: Myriad Autosomal Dominant, Autosomal Recessive and X-Linked Classification Criteria (2023). Collection method: clinical testing. Allele origin: unknown.
Comment: This variant is considered benign. This variant is a silent/synonymous amino acid change and it is not expected to impact splicing.

Sema4
Classification: Uncertain significance for Hereditary cancer-predisposing syndrome. Last evaluated: 2022-02-14. Review status: criteria provided, single submitter. Criteria: Sema4 Curation Guidelines. Collection method: curation. Allele origin: germline.
Comment: The MSH6 c.3843G>A (p.E1281=) variant has not been reported in the literature to our knowledge. It was not observed in the large and broad cohorts of the Genome Aggregation Database (PMID: 32461654). This variant has been reported in ClinVar (Variation ID 230488). The nucleotide is moderately conserved and in silico tools that predict the effect of sequence changes on splicing suggest that this variant may not impact splicing, though these predictions have not been confirmed by functional studies. The evidence is insufficient to meet ACMG/AMP criteria for classifying the variant as benign or pathogenic. Thus, the clinical significance of this variant is currently uncertain.

Color Diagnostics, LLC DBA Color Health
Classification: Likely benign for Hereditary cancer-predisposing syndrome. Last evaluated: 2017-10-23. Review status: criteria provided, single submitter. Criteria: ACMG Guidelines, 2015. Collection method: clinical testing. Allele origin: germline.

GeneDx
Classification: Likely benign. Last evaluated: 2015-12-29. Review status: criteria provided, single submitter. Criteria: GeneDx Variant Classification (06012015). Collection method: clinical testing. Allele origin: germline. Affected: yes.
Comment: This variant is considered likely benign or benign based on one or more of the following criteria: it is a conservative change, it occurs at a poorly conserved position in the protein, it is predicted to be benign by multiple in silico algorithms, and/or has population frequency not consistent with disease.

Ambry Genetics
Classification: Likely benign for Hereditary cancer-predisposing syndrome. Last evaluated: 2015-02-11. Review status: criteria provided, single submitter. Criteria: Ambry Variant Classification Scheme 2023. Collection method: clinical testing. Allele origin: germline.

NM_000179.3(MSH6):c.3843G>A (p.Glu1281=)

Gene: MSH6 (mutS homolog 6; plus strand). Cytogenetic location: 2p16.3.
Variant type: single nucleotide variant.
Coding change: c.3843G>A on transcript NM_000179.3 (MANE Select); coding-DNA position 3843, G replaced by A.
Protein change: p.Glu1281=; no amino-acid change (glutamic acid 1281 retained).
Molecular consequence: synonymous variant.
Genome position (GRCh38, 1-based): chr2:47,806,493, G>A. VCF-style: chr2-47806493-G-A. GRCh37 (hg19) VCF-style: chr2-48033632-G-A.
Other names: c.3453G>A, p.Glu1151= (NM_001281492.2); c.2937G>A, p.Glu979= (NM_001281493.2, NM_001281494.2).
Identifiers: ClinVar variation 230488 (VCV000230488.20), dbSNP rs864622384, ClinGen allele CA10578164.